The following is an entry in ClinVar:

NM_000964.4(RARA):c.179-3622C>T

Gene: RARA (retinoic acid receptor alpha; plus strand). Cytogenetic location: 17q21.2.
Variant type: single nucleotide variant.
Coding change: c.179-3622C>T on transcript NM_000964.4 (MANE Select); 3622 bases into the intron before coding-DNA position 179, C replaced by T.
Molecular consequence: intron variant.
Genome position (GRCh38, 1-based): chr17:40,344,694, C>T. VCF-style: chr17-40344694-C-T. GRCh37 (hg19) VCF-style: chr17-38500946-C-T.
Other names: c.179-3622C>T (NM_001145301.3); c.179-7216C>T (NM_001145302.3); c.163+1827C>T (NM_001024809.4).
Identifiers: ClinVar variation 2647736 (VCV002647736.24), dbSNP rs112509970, ClinGen allele CA290510799.

ClinVar aggregate classification (germline): Benign (1 of 4 stars; one submission).

Allele frequency attached by ClinVar (database versions not stated): 1000 Genomes Project 30x 0.00359; 1000 Genomes Project 0.00399; TOPMed 0.00881; gnomAD 0.00959.
gnomAD v4.1: 1,455 of 152,284 alleles (0.96%); highest among the groups gnomAD compares: Non-Finnish European, 1.4%; 10 homozygotes.

Submission:

CeGaT Center for Human Genetics Tuebingen
Classification: Benign. Last evaluated: 2022-11-01. Review status: criteria provided, single submitter. Criteria: CeGaT Center For Human Genetics Tuebingen Variant Classification Criteria Version 2. Collection method: clinical testing. Allele origin: germline. Affected: yes. Observed: 1 variant allele.
Comment: RARA: BS1, BS2